The following is an entry in ClinVar:

NM_005076.5(CNTN2):c.2449A>G (p.Thr817Ala)

Gene: CNTN2 (contactin 2; plus strand). Cytogenetic location: 1q32.1.
Variant type: single nucleotide variant.
Coding change: c.2449A>G on transcript NM_005076.5 (MANE Select); coding-DNA position 2449, A replaced by G.
Protein change: p.Thr817Ala; replaces threonine 817 with alanine.
Molecular consequence: missense variant. On other transcripts: non-coding transcript variant (1).
Genome position (GRCh38, 1-based): chr1:205,070,443, A>G. VCF-style: chr1-205070443-A-G. GRCh37 (hg19) VCF-style: chr1-205039571-A-G.
Other names: c.2449A>G, p.Thr817Ala (NM_001346083.2); short protein forms T817A.
Identifiers: ClinVar variation 1353548 (VCV001353548.8), dbSNP rs1326524363, ClinGen allele CA344380198.

ClinVar aggregate classification (germline): Uncertain significance (1 of 4 stars; one submission).

Conditions:
Epilepsy, familial adult myoclonic, 5 (EPEO5). Also called: CORTICAL MYOCLONIC TREMOR WITH EPILEPSY, FAMILIAL, 5. Identifiers: Orphanet 86814, MedGen C3809374, MONDO:0014167, OMIM 615400.

Allele frequency attached by ClinVar (database versions not stated): TOPMed below 0.00001; gnomAD 0.00001.
gnomAD v4.1: 1 of 1,613,606 alleles (0.000062%); highest among the groups gnomAD compares: African/African-American, 0.0013%; no homozygotes.

Submission:

Labcorp Genetics (formerly Invitae), Labcorp
Classification: Uncertain significance for Epilepsy, familial adult myoclonic, 5. Last evaluated: 2022-08-16. Review status: criteria provided, single submitter. Criteria: Invitae Variant Classification Sherloc (09022015). Collection method: clinical testing. Allele origin: germline.
Comment: This variant is present in population databases (no rsID available, gnomAD 0.01%). This sequence change replaces threonine, which is neutral and polar, with alanine, which is neutral and non-polar, at codon 817 of the CNTN2 protein (p.Thr817Ala). This variant has not been reported in the literature in individuals affected with CNTN2-related conditions. ClinVar contains an entry for this variant (Variation ID: 1353548). Advanced modeling of protein sequence and biophysical properties (such as structural, functional, and spatial information, amino acid conservation, physicochemical variation, residue mobility, and thermodynamic stability) performed at Invitae indicates that this missense variant is not expected to disrupt CNTN2 protein function. In summary, the available evidence is currently insufficient to determine the role of this variant in disease. Therefore, it has been classified as a Variant of Uncertain Significance.